The following is an entry in ClinVar:

GRCh37/hg19 15q11.1(chr15:20335887-20636537)x3

Variant type: copy number gain.
Change: copy number 3 (three copies instead of two) of chr15:20,335,887-20,636,537 (300.7 kb, GRCh37 coordinates, 1-based), cytogenetic band 15q11.1.
Identifiers: ClinVar variation 4850961 (VCV004850961.1).

ClinVar aggregate classification (germline): Uncertain significance (1 of 4 stars; one submission).

Conditions:
15q11q13 microduplication syndrome. Also called: DUPLICATION 15q11-q13 SYNDROME; Chromosome 15q11-q13 duplication syndrome; 15q11.2-q13.1 Duplication Syndrome; Maternal 15q Duplication Syndrome. Identifiers: Orphanet 238446, MedGen C2675336, MONDO:0012081, OMIM 608636.

Submission:

Laboratory of Cytogenetics, Molecular Genetics and Reproductive Biology, Farhat Hached University Hospital
Classification: Uncertain significance for 15q11q13 microduplication syndrome. Last evaluated: 2025-12-12. Review status: criteria provided, single submitter. Criteria: ACMG/ClinGen CNV Guidelines, 2019. Collection method: clinical testing. Allele origin: unknown. Inheritance: Autosomal dominant inheritance. Affected: yes.
Comment: Current evidence is insufficient to determine its clinical significance; therefore, the variant was classified as a Variant of Uncertain Significance (VUS). The copy number variant was evaluated using ACMG/ClinGen CNV guidelines (PMID:31690835)